The following is an entry in ClinVar:

NM_001317778.2(SFTPC):c.117GGT[6] (p.Val44_Leu45insVal)

Gene: SFTPC (surfactant protein C; plus strand). Cytogenetic location: 8p21.3.
Variant type: Microsatellite.
Coding change: c.117GGT[6] on transcript NM_001317778.2 (MANE Select); six copies in a row of the 3-base unit GGT starting at c.117; the reference has five copies in a row; one copy, 3 bases duplicated.
Protein change: p.Val44_Leu45insVal.
Molecular consequence: inframe insertion. On other transcripts: intron variant (2).
Genome position (GRCh38, 1-based): chr8:22,162,660-22,162,662, GGT duplicated; duplicating any 3 consecutive bases within chr8:22,162,646-22,162,662 gives the same sequence; the position shown is the placement nearest the transcript's 3' end. VCF-style (leftmost placement, unchanged base first): chr8-22162645-C-CGTG. GRCh37 (hg19) VCF-style: chr8-22020158-C-CGTG.
Other names: c.117GGT[6], p.Val44_Leu45insVal (NM_001172357.2, NM_001172410.2, NM_001317780.2 and 8 more transcripts); c.43-434GTG[6] (NM_001385660.1, NM_001317779.2).
Identifiers: ClinVar variation 1914124 (VCV001914124.2), dbSNP rs752666425, ClinGen allele CA4663904.

ClinVar aggregate classification (germline): Uncertain significance (1 of 4 stars; one submission).

Submission:

Labcorp Genetics (formerly Invitae), Labcorp
Classification: Uncertain significance. Last evaluated: 2021-08-28. Review status: criteria provided, single submitter. Criteria: Invitae Variant Classification Sherloc (09022015). Collection method: clinical testing. Allele origin: germline.
Comment: This variant, c.129_131dup, results in the insertion of 1 amino acid(s) to the SFTPC protein (p.Val44dup), but otherwise preserves the integrity of the reading frame. This variant is present in population databases (rs762667784, ExAC 0.02%). This variant has not been reported in the literature in individuals affected with SFTPC-related conditions. Experimental studies and prediction algorithms are not available or were not evaluated, and the functional significance of this variant is currently unknown. In summary, the available evidence is currently insufficient to determine the role of this variant in disease. Therefore, it has been classified as a Variant of Uncertain Significance.